The following is an entry in ClinVar:

ClinVar aggregate classification (germline): Uncertain significance (1 of 4 stars; one submission).

gnomAD v4.1: 1 of 1,614,036 alleles (0.000062%); highest among the groups gnomAD compares: Admixed American, 0.0017%; no homozygotes.

Submission:

Labcorp Genetics (formerly Invitae), Labcorp
Classification: Uncertain significance. Last evaluated: 2024-01-05. Review status: criteria provided, single submitter. Criteria: Invitae Variant Classification Sherloc (09022015). Collection method: clinical testing. Allele origin: germline.
Comment: This sequence change replaces valine, which is neutral and non-polar, with methionine, which is neutral and non-polar, at codon 567 of the KIF20A protein (p.Val567Met). This variant is not present in population databases (gnomAD no frequency). This variant has not been reported in the literature in individuals affected with KIF20A-related conditions. An algorithm developed to predict the effect of missense changes on protein structure and function (PolyPhen-2) suggests that this variant is likely to be disruptive. In summary, the available evidence is currently insufficient to determine the role of this variant in disease. Therefore, it has been classified as a Variant of Uncertain Significance.

NM_005733.3(KIF20A):c.1699G>A (p.Val567Met)

Gene: KIF20A (kinesin family member 20A; plus strand). Cytogenetic location: 5q31.2.
Variant type: single nucleotide variant.
Coding change: c.1699G>A on transcript NM_005733.3 (MANE Select); coding-DNA position 1699, G replaced by A.
Protein change: p.Val567Met; replaces valine 567 with methionine.
Molecular consequence: missense variant.
Genome position (GRCh38, 1-based): chr5:138,184,822, G>A. VCF-style: chr5-138184822-G-A. GRCh37 (hg19) VCF-style: chr5-137520511-G-A.
Other names: short protein forms V567M.
Identifiers: ClinVar variation 2972949 (VCV002972949.3), dbSNP rs760090511, ClinGen allele CA361116973.